The following is an entry in ClinVar:

NM_000046.5(ARSB):c.245T>A (p.Leu82Gln)

Genes: ARSB (arylsulfatase B; minus strand), LOC129994126 (ATAC-STARR-seq lymphoblastoid silent region 16127; plus strand). Cytogenetic location: 5q14.1.
Variant type: single nucleotide variant.
Coding change: c.245T>A on transcript NM_000046.5 (MANE Select); coding-DNA position 245, T replaced by A.
Protein change: p.Leu82Gln; replaces leucine 82 with glutamine.
Molecular consequence: missense variant.
Genome position (GRCh38, 1-based): chr5:78,985,004, A>T on the plus strand (T>A on the coding strand, the complement: ARSB is on the minus strand). VCF-style: chr5-78985004-A-T. GRCh37 (hg19) VCF-style: chr5-78280827-A-T.
Other names: c.245T>A, p.Leu82Gln (NM_198709.3); short protein forms L82Q.
Identifiers: ClinVar variation 3659543 (VCV003659543.2).

ClinVar aggregate classification (germline): Pathogenic (1 of 4 stars; one submission).

Conditions:
Mucopolysaccharidosis type 6 (MPS6). Also called: N-ACETYLGALACTOSAMINE-4-SULFATASE DEFICIENCY; MPS VI; ARSB DEFICIENCY; ARYLSULFATASE B DEFICIENCY; MPS 6; Maroteaux Lamy syndrome. Identifiers: Orphanet 583, MedGen C0026709, MONDO:0009661, OMIM 253200.

gnomAD v4.1: 4 of 1,539,590 alleles (0.00026%); highest among the groups gnomAD compares: Non-Finnish European, 0.00035%; no homozygotes.

Submission:

Labcorp Genetics (formerly Invitae), Labcorp
Classification: Pathogenic for Mucopolysaccharidosis type 6. Last evaluated: 2024-07-15. Review status: criteria provided, single submitter. Criteria: Invitae Variant Classification Sherloc (09022015). Collection method: clinical testing. Allele origin: germline.
Comment: This sequence change replaces leucine, which is neutral and non-polar, with glutamine, which is neutral and polar, at codon 82 of the ARSB protein (p.Leu82Gln). This variant is not present in population databases (gnomAD no frequency). This missense change has been observed in individual(s) with clinical and/or biochemical features of mucopolysaccharidosis type VI (Invitae). Advanced modeling of protein sequence and biophysical properties (such as structural, functional, and spatial information, amino acid conservation, physicochemical variation, residue mobility, and thermodynamic stability) performed at Invitae indicates that this missense variant is expected to disrupt ARSB protein function with a positive predictive value of 95%. This variant disrupts the p.Leu82 amino acid residue in ARSB. Other variant(s) that disrupt this residue have been determined to be pathogenic (PMID: 30809705; Invitae). This suggests that this residue is clinically significant, and that variants that disrupt this residue are likely to be disease-causing. For these reasons, this variant has been classified as Pathogenic.

Literature cited by the submitters: PubMed 30809705.